The following is an entry in ClinVar:

ClinVar aggregate classification (germline): Uncertain significance (1 of 4 stars; one submission).

Submission:

Labcorp Genetics (formerly Invitae), Labcorp
Classification: Uncertain significance. Last evaluated: 2024-10-17. Review status: criteria provided, single submitter. Criteria: Invitae Variant Classification Sherloc (09022015). Collection method: clinical testing. Allele origin: germline.
Comment: This sequence change replaces glycine, which is neutral and non-polar, with glutamic acid, which is acidic and polar, at codon 967 of the KMT2A protein (p.Gly967Glu). This variant is not present in population databases (gnomAD no frequency). This variant has not been reported in the literature in individuals affected with KMT2A-related conditions. Invitae Evidence Modeling of protein sequence and biophysical properties (such as structural, functional, and spatial information, amino acid conservation, physicochemical variation, residue mobility, and thermodynamic stability) indicates that this missense variant is not expected to disrupt KMT2A protein function with a negative predictive value of 95%. In summary, the available evidence is currently insufficient to determine the role of this variant in disease. Therefore, it has been classified as a Variant of Uncertain Significance.

NM_001197104.2(KMT2A):c.2900G>A (p.Gly967Glu)

Gene: KMT2A (lysine methyltransferase 2A; plus strand). Cytogenetic location: 11q23.3.
Variant type: single nucleotide variant.
Coding change: c.2900G>A on transcript NM_001197104.2 (MANE Select); coding-DNA position 2900, G replaced by A.
Protein change: p.Gly967Glu; replaces glycine 967 with glutamic acid.
Molecular consequence: missense variant.
Genome position (GRCh38, 1-based): chr11:118,474,059, G>A. VCF-style: chr11-118474059-G-A. GRCh37 (hg19) VCF-style: chr11-118344774-G-A.
Other names: c.2999G>A, p.Gly1000Glu (NM_001412597.1); c.2900G>A, p.Gly967Glu (NM_005933.4); short protein forms G1000E, G967E.
Identifiers: ClinVar variation 3634310 (VCV003634310.2).